The following is an entry in ClinVar:

NM_001466.4(FZD2):c.1202T>G (p.Val401Gly)

Gene: FZD2 (frizzled class receptor 2; plus strand). Cytogenetic location: 17q21.31.
Variant type: single nucleotide variant.
Coding change: c.1202T>G on transcript NM_001466.4 (MANE Select); coding-DNA position 1202, T replaced by G.
Protein change: p.Val401Gly; replaces valine 401 with glycine.
Molecular consequence: missense variant.
Genome position (GRCh38, 1-based): chr17:44,558,890, T>G. VCF-style: chr17-44558890-T-G. GRCh37 (hg19) VCF-style: chr17-42636258-T-G.
Other names: short protein forms V401G.
Identifiers: ClinVar variation 2851826 (VCV002851826.3), dbSNP rs2544584748, ClinGen allele CA399798246.

ClinVar aggregate classification (germline): Uncertain significance (1 of 4 stars; one submission).

Submission:

Labcorp Genetics (formerly Invitae), Labcorp
Classification: Uncertain significance. Last evaluated: 2024-08-08. Review status: criteria provided, single submitter. Criteria: Invitae Variant Classification Sherloc (09022015). Collection method: clinical testing. Allele origin: germline.
Comment: This sequence change replaces valine, which is neutral and non-polar, with glycine, which is neutral and non-polar, at codon 401 of the FZD2 protein (p.Val401Gly). This variant is not present in population databases (gnomAD no frequency). This variant has not been reported in the literature in individuals affected with FZD2-related conditions. Advanced modeling of protein sequence and biophysical properties (such as structural, functional, and spatial information, amino acid conservation, physicochemical variation, residue mobility, and thermodynamic stability) performed at Invitae indicates that this missense variant is expected to disrupt FZD2 protein function with a positive predictive value of 80%. In summary, the available evidence is currently insufficient to determine the role of this variant in disease. Therefore, it has been classified as a Variant of Uncertain Significance.